The following is an entry in ClinVar:

ClinVar aggregate classification (germline): Benign (0 of 4 stars; one submission).

Conditions:
GCC2-related disorder. Also called: GCC2-related condition.

Allele frequency attached by ClinVar (database versions not stated): ESP Exome Variant Server 0.34330; gnomAD 0.38346; TOPMed 0.39290; gnomAD exomes 0.41658; 1000 Genomes Project 30x 0.44909; ExAC 0.45086; 1000 Genomes Project 0.45647.
gnomAD v4.1: 664,043 of 1,606,380 alleles (41%); highest among the groups gnomAD compares: East Asian, 84%; 145,911 homozygotes.

Submission:

PreventionGenetics, part of Exact Sciences
Classification: Benign for GCC2-related condition. Last evaluated: 2019-10-17. Review status: no assertion criteria provided. Collection method: clinical testing. Allele origin: germline.
Comment: This variant is classified as benign based on ACMG/AMP sequence variant interpretation guidelines (Richards et al. 2015 PMID: 25741868, with internal and published modifications).

NM_181453.4(GCC2):c.4140A>G (p.Gln1380=)

Gene: GCC2 (GRIP and coiled-coil domain containing 2; plus strand). Cytogenetic location: 2q12.3.
Variant type: single nucleotide variant.
Coding change: c.4140A>G on transcript NM_181453.4 (MANE Select); coding-DNA position 4140, A replaced by G.
Protein change: p.Gln1380=; no amino-acid change (glutamine 1380 retained).
Molecular consequence: synonymous variant.
Genome position (GRCh38, 1-based): chr2:108,489,925, A>G. VCF-style: chr2-108489925-A-G. GRCh37 (hg19) VCF-style: chr2-109106381-A-G.
Other names: c.3837A>G, p.Gln1279= (NM_001410194.1, NM_014635.3).
Identifiers: ClinVar variation 3059986 (VCV003059986.2), dbSNP rs12104502, ClinGen allele CA1821211.